The following is an entry in ClinVar:

NM_001012614.2(CTBP1):c.1060A>C (p.Met354Leu)

Genes: CTBP1 (C-terminal binding protein 1; minus strand), CTBP1-AS (CTBP1 antisense RNA; plus strand). Cytogenetic location: 4p16.3.
Variant type: single nucleotide variant.
Coding change: c.1060A>C on transcript NM_001012614.2 (MANE Select); coding-DNA position 1060, A replaced by C.
Protein change: p.Met354Leu; replaces methionine 354 with leucine.
Molecular consequence: missense variant.
Genome position (GRCh38, 1-based): chr4:1,212,959, T>G on the plus strand (A>C on the coding strand, the complement: CTBP1 is on the minus strand). VCF-style: chr4-1212959-T-G. GRCh37 (hg19) VCF-style: chr4-1206747-T-G.
Other names: c.1093A>C, p.Met365Leu (NM_001328.3, NM_001377186.1); c.1060A>C, p.Met354Leu (NM_001377187.1, NM_001377188.1, NM_001377189.1 and 4 more transcripts); short protein forms M354L, M365L.
Identifiers: ClinVar variation 5041729 (VCV005041729.1).
Genomic context (GRCh38, chr4:1,212,959, plus strand): 5'-GCGGGCCTGCTCACCTATAGGCAGCCCCATTGAGCTCAGGGTGCACGACGGCGGGGTCCA[T>G]GCTGGCCCAGTGGGTGGCGGCTGTCAGATGGTCCTTGTTGACACAGTTCTTCAGGCTGTC-3'
Protein context (NP_001012632.1, residues 344-364): HLTAATHWAS[Met354Leu]DPAVVHPELN

ClinVar aggregate classification (germline): Uncertain significance (1 of 4 stars; one submission).

Submission:

CeGaT Center for Human Genetics Tuebingen
Classification: Uncertain significance. Last evaluated: 2026-09-01. Review status: criteria provided, single submitter. Criteria: CeGaT Center For Human Genetics Tuebingen Variant Classification Criteria Version 2. Collection method: clinical testing. Allele origin: germline. Affected: yes. Observed: 1 variant allele.
Comment: CTBP1: PM2, BP4